The following is an entry in ClinVar:

NM_001244008.2(KIF1A):c.4055C>G (p.Ser1352Cys)

Gene: KIF1A (kinesin family member 1A; minus strand). Cytogenetic location: 2q37.3.
Variant type: single nucleotide variant.
Coding change: c.4055C>G on transcript NM_001244008.2 (MANE Select); coding-DNA position 4055, C replaced by G.
Protein change: p.Ser1352Cys; replaces serine 1352 with cysteine.
Molecular consequence: missense variant.
Genome position (GRCh38, 1-based): chr2:240,726,893, G>C on the plus strand (C>G on the coding strand, the complement: KIF1A is on the minus strand). VCF-style: chr2-240726893-G-C. GRCh37 (hg19) VCF-style: chr2-241666310-G-C.
Other names: c.3779C>G, p.Ser1260Cys (NM_001320705.2, NM_001379649.1); c.3806C>G, p.Ser1269Cys (NM_001330289.2); c.3854C>G, p.Ser1285Cys (NM_001330290.2, NM_001379648.1); c.4130C>G, p.Ser1377Cys (NM_001379631.1); c.4031C>G, p.Ser1344Cys (NM_001379632.1); c.4028C>G, p.Ser1343Cys (NM_001379633.1, NM_001379645.1); c.3881C>G, p.Ser1294Cys (NM_001379634.1); c.3878C>G, p.Ser1293Cys (NM_001379635.1, NM_001379646.1); and 7 more; short protein forms S1251C, S1352C, S1260C, S1285C, S1269C, S1250C, S1259C, S1268C.
Identifiers: ClinVar variation 572477 (VCV000572477.11), dbSNP rs1559480382, ClinGen allele CA351309417.

ClinVar aggregate classification (germline): Uncertain significance (1 of 4 stars; one submission).

Conditions:
Neuropathy, hereditary sensory, type 2C. Also called: KIF1A-Related HSAN2 (HSAN2C); Hereditary sensory and autonomic neuropathy type IIC. Identifiers: Orphanet 970, MedGen C3280168, MONDO:0013634, OMIM 614213.
Intellectual disability, autosomal dominant 9 (NESCAVS). Also called: NESCAV SYNDROME; KIF1A-Related Neurodevelopmental Disorder. Identifiers: Orphanet 662367, MedGen C5393830, MONDO:0013656, OMIM 614255.
Hereditary spastic paraplegia 30. Identifiers: Orphanet 101010, MedGen C5235139, MONDO:0012476.

gnomAD v4.1: 1 of 1,612,698 alleles (0.000062%); no homozygotes.

Submission:

Labcorp Genetics (formerly Invitae), Labcorp
Classification: Uncertain significance for Hereditary spastic paraplegia 30; Neuropathy, hereditary sensory, type 2C; Intellectual disability, autosomal dominant 9. Last evaluated: 2019-08-23. Review status: criteria provided, single submitter. Criteria: Invitae Variant Classification Sherloc (09022015). Collection method: clinical testing. Allele origin: germline.
Comment: In summary, the available evidence is currently insufficient to determine the role of this variant in disease. Therefore, it has been classified as a Variant of Uncertain Significance. Algorithms developed to predict the effect of missense changes on protein structure and function do not agree on the potential impact of this missense change (SIFT: "Deleterious"; PolyPhen-2: "Probably Damaging"; Align-GVGD: "Class C0"). This variant has not been reported in the literature in individuals with KIF1A-related disease. This variant is not present in population databases (ExAC no frequency). This sequence change replaces serine with cysteine at codon 1251 of the KIF1A protein (p.Ser1251Cys). The serine residue is highly conserved and there is a moderate physicochemical difference between serine and cysteine.